The following is an entry in ClinVar:

NM_000179.3(MSH6):c.2897_2898dup (p.Ile967fs)

Gene: MSH6 (mutS homolog 6; plus strand). Cytogenetic location: 2p16.3.
Variant type: Duplication.
Coding change: c.2897_2898dup on transcript NM_000179.3 (MANE Select); coding-DNA positions 2897 to 2898, 2 bases duplicated (CC; older notation c.2897_2898dupCC).
Protein change: p.Ile967fs; shifts the reading frame from isoleucine 967.
Molecular consequence: frameshift variant.
Genome position (GRCh38, 1-based): chr2:47,800,880-47,800,881, CC duplicated. VCF-style (leftmost placement, unchanged base first): chr2-47800879-A-ACC. GRCh37 (hg19) VCF-style: chr2-48028018-A-ACC.
Other names: c.2507_2508dup, p.Ile837fs (NM_001281492.2); c.1991_1992dup, p.Ile665fs (NM_001281493.2, NM_001281494.2); short protein forms I665fs, I837fs, I967fs.
Identifiers: ClinVar variation 1076193 (VCV001076193.8), dbSNP rs2104429347, ClinGen allele CA2499216120.

ClinVar aggregate classification (germline): Pathogenic. Review status: criteria provided, multiple submitters, no conflicts (2 of 4 stars). 2 submissions from 2 submitters: Pathogenic (2). Last evaluated 2025-08-10.

Conditions:
Lynch syndrome 5 (LYNCH5). Also called: Colorectal cancer, hereditary nonpolyposis, type 5; Hereditary non-polyposis colorectal cancer, type 5. Identifiers: Orphanet 144, MedGen C1833477, MONDO:0013710, OMIM 614350. Disease mechanism: loss of function.
Hereditary nonpolyposis colorectal neoplasms. Identifiers: MedGen C0009405, MeSH D003123.

Submissions (2):

Labcorp Genetics (formerly Invitae), Labcorp
Classification: Pathogenic for Hereditary nonpolyposis colorectal neoplasms. Last evaluated: 2025-08-10. Review status: criteria provided, single submitter. Criteria: Invitae Variant Classification Sherloc (09022015). Collection method: clinical testing. Allele origin: germline.
Comment: This sequence change creates a premature translational stop signal (p.Ile967Profs*2) in the MSH6 gene. It is expected to result in an absent or disrupted protein product. Loss-of-function variants in MSH6 are known to be pathogenic (PMID: 18269114, 24362816). This variant is not present in population databases (gnomAD no frequency). This variant has not been reported in the literature in individuals affected with MSH6-related conditions. ClinVar contains an entry for this variant (Variation ID: 1076193). For these reasons, this variant has been classified as Pathogenic.

Myriad Genetics, Inc.
Classification: Pathogenic for Lynch syndrome 5. Last evaluated: 2023-08-21. Review status: criteria provided, single submitter. Criteria: Myriad Autosomal Dominant, Autosomal Recessive and X-Linked Classification Criteria (2023). Collection method: clinical testing. Allele origin: unknown.
Comment: This variant is considered pathogenic. This variant creates a frameshift predicted to result in premature protein truncation.

Literature cited by the submitters: PubMed 18269114 (cited by Labcorp Genetics (formerly Invitae), Labcorp); PubMed 24362816 (cited by Labcorp Genetics (formerly Invitae), Labcorp).